The following is an entry in ClinVar:

ClinVar aggregate classification (germline): Uncertain significance (1 of 4 stars; one submission).

Allele frequency attached by ClinVar (database versions not stated): gnomAD exomes below 0.00001.
gnomAD v4.1: 1 of 1,608,912 alleles (0.000062%); highest among the groups gnomAD compares: East Asian, 0.0022%; no homozygotes.

Submission:

Ambry Genetics
Classification: Uncertain significance. Last evaluated: 2025-12-16. Review status: criteria provided, single submitter. Criteria: Ambry Variant Classification Scheme 2023. Collection method: clinical testing. Allele origin: germline.
Comment: The c.1639+3G>A intronic variant results from a G to A substitution 3 nucleotides after coding exon 16 in the KIF1B gene. This nucleotide position is not well conserved in available vertebrate species. In silico splice site analysis predicts that this alteration will not have any significant effect on splicing. The evidence for this gene-disease relationship is limited; therefore, the clinical significance of this alteration is unclear.

NM_001365951.3(KIF1B):c.1777+3G>A

Gene: KIF1B (kinesin family member 1B; plus strand). Cytogenetic location: 1p36.22.
Variant type: single nucleotide variant.
Coding change: c.1777+3G>A on transcript NM_001365951.3 (MANE Select); 3 bases into the intron after coding-DNA position 1777, G replaced by A.
Molecular consequence: intron variant.
Genome position (GRCh38, 1-based): chr1:10,295,769, G>A. VCF-style: chr1-10295769-G-A. GRCh37 (hg19) VCF-style: chr1-10355827-G-A.
Other names: c.1639+3G>A (NM_183416.4, NM_015074.3, NM_001365953.1); c.1777+3G>A (NM_001365952.1).
Identifiers: ClinVar variation 1776976 (VCV001776976.3), dbSNP rs2521391567, ClinGen allele CA2580060447.